The following is an entry in ClinVar:

NM_005876.5(SPEG):c.661G>A (p.Gly221Arg)

Gene: SPEG (striated muscle enriched protein kinase; plus strand). Cytogenetic location: 2q35.
Variant type: single nucleotide variant.
Coding change: c.661G>A on transcript NM_005876.5 (MANE Select); coding-DNA position 661, G replaced by A.
Protein change: p.Gly221Arg; replaces glycine 221 with arginine.
Molecular consequence: missense variant.
Genome position (GRCh38, 1-based): chr2:219,445,007, G>A. VCF-style: chr2-219445007-G-A. GRCh37 (hg19) VCF-style: chr2-220309729-G-A.
Other names: short protein forms G221R.
Identifiers: ClinVar variation 1393271 (VCV001393271.4), dbSNP rs760541032, ClinGen allele CA2125546.

ClinVar aggregate classification (germline): Uncertain significance. Review status: criteria provided, multiple submitters, no conflicts (2 of 4 stars). 2 submissions from 2 submitters: Uncertain significance (2). Last evaluated 2021-11-18.

Allele frequency attached by ClinVar (database versions not stated): gnomAD 0.00001 and 0.00002; TOPMed 0.00001; ExAC 0.00002; gnomAD exomes 0.00002.

Submissions (2):

Labcorp Genetics (formerly Invitae), Labcorp
Classification: Uncertain significance. Last evaluated: 2021-11-18. Review status: criteria provided, single submitter. Criteria: Invitae Variant Classification Sherloc (09022015). Collection method: clinical testing. Allele origin: germline.
Comment: This sequence change replaces glycine, which is neutral and non-polar, with arginine, which is basic and polar, at codon 221 of the SPEG protein (p.Gly221Arg). This variant is present in population databases (rs760541032, gnomAD 0.007%). This variant has not been reported in the literature in individuals affected with SPEG-related conditions. Algorithms developed to predict the effect of missense changes on protein structure and function are either unavailable or do not agree on the potential impact of this missense change (SIFT: "Deleterious"; PolyPhen-2: "Benign"; Align-GVGD: "Class C25"). In summary, the available evidence is currently insufficient to determine the role of this variant in disease. Therefore, it has been classified as a Variant of Uncertain Significance.

Blueprint Genetics
Classification: Uncertain significance. Last evaluated: 2018-10-12. Review status: criteria provided, single submitter. Criteria: ACMG Guidelines, 2015. Collection method: clinical testing. Allele origin: germline.